The following is an entry in ClinVar:

ClinVar aggregate classification (germline): Uncertain significance (1 of 4 stars; one submission).

Conditions:
Dilated cardiomyopathy 1W (CMD1W). Identifiers: Orphanet 154, MedGen C1969639, MONDO:0012667, OMIM 611407.

gnomAD v4.1: 7 of 1,614,074 alleles (0.00043%); highest among the groups gnomAD compares: East Asian, 0.0022%; no homozygotes.

Submission:

Labcorp Genetics (formerly Invitae), Labcorp
Classification: Uncertain significance for Dilated cardiomyopathy 1W. Last evaluated: 2025-04-14. Review status: criteria provided, single submitter. Criteria: Invitae Variant Classification Sherloc (09022015). Collection method: clinical testing. Allele origin: germline.
Comment: This sequence change falls in intron 10 of the VCL gene. It does not directly change the encoded amino acid sequence of the VCL protein. It affects a nucleotide within the consensus splice site. This variant is not present in population databases (gnomAD no frequency). This variant has not been reported in the literature in individuals affected with VCL-related conditions. Variants that disrupt the consensus splice site are a relatively common cause of aberrant splicing (PMID: 17576681, 9536098). Algorithms developed to predict the effect of sequence changes on RNA splicing suggest that this variant is not likely to affect RNA splicing. In summary, the available evidence is currently insufficient to determine the role of this variant in disease. Therefore, it has been classified as a Variant of Uncertain Significance.

Literature cited by the submitters: PubMed 17576681; PubMed 9536098.

NM_014000.3(VCL):c.1353-3T>C

Gene: VCL (vinculin; plus strand). Cytogenetic location: 10q22.2.
Variant type: single nucleotide variant.
Coding change: c.1353-3T>C on transcript NM_014000.3 (MANE Select); 3 bases into the intron before coding-DNA position 1353, T replaced by C.
Molecular consequence: intron variant.
Genome position (GRCh38, 1-based): chr10:74,094,268, T>C. VCF-style: chr10-74094268-T-C. GRCh37 (hg19) VCF-style: chr10-75854026-T-C.
Other names: c.1353-3T>C (NM_003373.4).
Identifiers: ClinVar variation 4764087 (VCV004764087.1).
Genomic context (GRCh38, chr10:74,094,268, plus strand): 5'-GCTAAGTGATCTCAATGTAAATAGTGTTTATGTGTGACAGGATGGCTGTCTTTTTCTCTG[T>C]AGGGGGAAAGGAGATTCTCCAGAGGCTCGAGCCTTGGCCAAACAGGTGGCCACGGCCCTG-3'